The following is an entry in ClinVar:

ClinVar aggregate classification (germline): Likely pathogenic (1 of 4 stars; one submission).

Conditions:
CFI-related disorder. Also called: CFI-related condition; CFI-related disorders. Identifiers: MedGen CN239325.

gnomAD v4.1: 23 of 1,614,176 alleles (0.0014%); highest among the groups gnomAD compares: Non-Finnish European, 0.0019%; no homozygotes.

Submission:

Genomenon, Inc
Classification: Likely pathogenic for CFI-related disorder. Last evaluated: 2026-09-17. Review status: criteria provided, single submitter. Criteria: Genomenon Sequence Variant Interpretation Standards - Updated. Collection method: curation. Allele origin: germline. Affected: yes.
Comment: CFI p.Tyr369Ser (c.1106A>C) is a missense variant that changes the amino acid at codon 369 from Tyrosine to Serine. This variant has been observed in at least one proband affected with a CFI-related disorder (PMID:20513133;32510551;33024316). Functional studies have been reported (PMID:32510551). This variant is located in a mutational hotspot and/or important functional domain. It is absent or not present at a significant frequency in gnomAD. In silico models predict that this variant is possibly or probably damaging. In conclusion, we classify CFI p.Tyr369Ser (c.1106A>C) as a likely pathogenic variant.

Literature cited by the submitters: PubMed 20513133; PubMed 32510551; PubMed 33024316.

NM_000204.5(CFI):c.1106A>C (p.Tyr369Ser)

Gene: CFI (complement factor I; minus strand). Cytogenetic location: 4q25.
Variant type: single nucleotide variant.
Coding change: c.1106A>C on transcript NM_000204.5 (MANE Select); coding-DNA position 1106, A replaced by C.
Protein change: p.Tyr369Ser; replaces tyrosine 369 with serine.
Molecular consequence: missense variant. On other transcripts: non-coding transcript variant (3).
Genome position (GRCh38, 1-based): chr4:109,749,260, T>G on the plus strand (A>C on the coding strand, the complement: CFI is on the minus strand). VCF-style: chr4-109749260-T-G. GRCh37 (hg19) VCF-style: chr4-110670416-T-G.
Other names: c.1130A>C, p.Tyr377Ser (NM_001318057.2, NM_001375278.1, NM_001440988.1); c.1085A>C, p.Tyr362Ser (NM_001331035.2, NM_001375280.1, NM_001375282.1 and 1 more transcripts); c.1106A>C, p.Tyr369Ser (NM_001375279.1, NM_001375281.1, NM_001440989.1); c.1049A>C, p.Tyr350Ser (NM_001375283.1); c.497A>C, p.Tyr166Ser (NM_001375284.1); c.1127A>C, p.Tyr376Ser (NM_001440985.1, NM_001440986.1); short protein forms Y166S, Y350S, Y362S, Y369S, Y376S, Y377S.
Identifiers: ClinVar variation 4280568 (VCV004280568.2).